The following is an entry in ClinVar:

ClinVar aggregate classification (germline): Likely benign. Review status: criteria provided, single submitter (1 of 4 stars). 2 submissions from 2 submitters: Likely benign (1). 1 of the submissions does not count toward it. Last evaluated 2025-09-10.

Conditions:
CACNA1F-related disorder. Also called: CACNA1F-related condition.

Allele frequency attached by ClinVar (database versions not stated): gnomAD exomes below 0.00001 and 0.00001; TOPMed below 0.00001.

Submissions (2):

Labcorp Genetics (formerly Invitae), Labcorp
Classification: Likely benign. Last evaluated: 2025-09-10. Review status: criteria provided, single submitter. Criteria: Invitae Variant Classification Sherloc (09022015). Collection method: clinical testing. Allele origin: germline.

PreventionGenetics, part of Exact Sciences
Classification: Likely benign for CACNA1F-related condition. Last evaluated: 2019-10-25. Review status: no assertion criteria provided. Collection method: clinical testing. Allele origin: germline. Not counted in ClinVar's aggregate classification.
Comment: This variant is classified as likely benign based on ACMG/AMP sequence variant interpretation guidelines (Richards et al. 2015 PMID: 25741868, with internal and published modifications).

NM_001256789.3(CACNA1F):c.3568C>T (p.Leu1190=)

Gene: CACNA1F (calcium voltage-gated channel subunit alpha1 F; minus strand). Cytogenetic location: Xp11.23.
Variant type: single nucleotide variant.
Coding change: c.3568C>T on transcript NM_001256789.3 (MANE Select); coding-DNA position 3568, C replaced by T.
Protein change: p.Leu1190=; no amino-acid change (leucine 1190 retained).
Molecular consequence: synonymous variant.
Genome position (GRCh38, 1-based): chrX:49,215,115, G>A on the plus strand (C>T on the coding strand, the complement: CACNA1F is on the minus strand). VCF-style: chrX-49215115-G-A. GRCh37 (hg19) VCF-style: chrX-49071575-G-A.
Other names: c.3601C>T (NM_005183.3); c.3406C>T, p.Leu1136= (NM_001256790.3); c.3601C>T, p.Leu1201= (NM_005183.4).
Identifiers: ClinVar variation 1625155 (VCV001625155.10), dbSNP rs1557107078, ClinGen allele CA516566365.
Genomic context (GRCh38, chrX:49,215,115, plus strand): 5'-GTCTGGCGGGGGTCAGGCAGGGATCTCAGACCTGCATGGCTAGGGCAACTGTGTTGAGCA[G>A]GATGAGCAGGAACATCAGGTACTCAAAGGCAGCAGAGTTCACAGTGGCCCACACACGATA-3'
Protein context (NP_001243718.1, residues 1180-1200): AFEYLMFLLI[Leu1190=]LNTVALAMQH